The following is an entry in ClinVar:

ClinVar aggregate classification (germline): Uncertain significance (1 of 4 stars; one submission).

Submission:

Greenwood Genetic Center Diagnostic Laboratories, Greenwood Genetic Center
Classification: Uncertain significance. Last evaluated: 2022-07-18. Review status: criteria provided, single submitter. Criteria: ACMG Guidelines, 2015. Collection method: clinical testing. Allele origin: germline. Affected: yes.
Comment: PM2

NM_006086.4(TUBB3):c.271A>G (p.Ile91Val)

Gene: TUBB3 (tubulin beta 3 class III; plus strand). Cytogenetic location: 16q24.3.
Variant type: single nucleotide variant.
Coding change: c.271A>G on transcript NM_006086.4 (MANE Select); coding-DNA position 271, A replaced by G.
Protein change: p.Ile91Val; replaces isoleucine 91 with valine.
Molecular consequence: missense variant.
Genome position (GRCh38, 1-based): chr16:89,933,572, A>G. VCF-style: chr16-89933572-A-G. GRCh37 (hg19) VCF-style: chr16-89999980-A-G.
Other names: c.55A>G, p.Ile19Val (NM_001197181.2); short protein forms I19V, I91V.
Identifiers: ClinVar variation 1710437 (VCV001710437.3), dbSNP rs2544625679, ClinGen allele CA397471404.